The following is an entry in ClinVar:

NM_001278064.2(GRM1):c.1940C>T (p.Thr647Ile)

Gene: GRM1 (glutamate metabotropic receptor 1; plus strand). Cytogenetic location: 6q24.3.
Variant type: single nucleotide variant.
Coding change: c.1940C>T on transcript NM_001278064.2 (MANE Select); coding-DNA position 1940, C replaced by T.
Protein change: p.Thr647Ile; replaces threonine 647 with isoleucine.
Molecular consequence: missense variant.
Genome position (GRCh38, 1-based): chr6:146,398,979, C>T. VCF-style: chr6-146398979-C-T. GRCh37 (hg19) VCF-style: chr6-146720115-C-T.
Other names: c.1940C>T, p.Thr647Ile (NM_001278065.2, NM_001278066.1, NM_001278067.1); short protein forms T647I.
Identifiers: ClinVar variation 4822704 (VCV004822704.4).
Genomic context (GRCh38, chr6:146,398,979, plus strand): 5'-GTCGGGAGCTCTGCTACATCATCCTAGCTGGCATCTTCCTTGGTTATGTGTGCCCATTCA[C>T]TCTCATTGCCAAACCTACTACCACCTCCTGCTACCTCCAGCGCCTCTTGGTTGGCCTCTC-3'
Protein context (NP_001264993.1, residues 637-657): GIFLGYVCPF[Thr647Ile]LIAKPTTTSC

ClinVar aggregate classification (germline): Uncertain significance (1 of 4 stars; one submission).

gnomAD v4.1: 16 of 1,614,072 alleles (0.00099%); highest among the groups gnomAD compares: Non-Finnish European, 0.0014%; no homozygotes.

Submission:

CeGaT Center for Human Genetics Tuebingen
Classification: Uncertain significance. Last evaluated: 2026-01-01. Review status: criteria provided, single submitter. Criteria: CeGaT Center For Human Genetics Tuebingen Variant Classification Criteria Version 2. Collection method: clinical testing. Allele origin: germline. Affected: yes. Observed: 1 variant allele.
Comment: GRM1: PP3